The following is an entry in ClinVar:

NM_001379200.1(TBX1):c.167_229del (p.Pro56_Pro76del)

Gene: TBX1 (T-box transcription factor 1; plus strand). Cytogenetic location: 22q11.21.
Variant type: Deletion.
Coding change: c.167_229del on transcript NM_001379200.1 (MANE Select); coding-DNA positions 167 to 229, 63 bases deleted.
Protein change: p.Pro56_Pro76del.
Molecular consequence: inframe deletion.
Genome position (GRCh38, 1-based): chr22:19,761,010-19,761,072, 63 bases deleted. GRCh37 (hg19): chr22:19,748,533-19,748,595.
Other names: c.140_202del, p.Pro47_Pro67del (NM_005992.1, NM_080646.2, NM_080647.1).
Identifiers: ClinVar variation 1353015 (VCV001353015.8), dbSNP rs2145827836, ClinGen allele CA2573157658.

ClinVar aggregate classification (germline): Uncertain significance (1 of 4 stars; one submission).

Conditions:
DiGeorge syndrome. Also called: Catch22; THIRD AND FOURTH PHARYNGEAL POUCH SYNDROME. Identifiers: Orphanet 567, MedGen C0012236, MONDO:0008564, OMIM 188400.

Submission:

Labcorp Genetics (formerly Invitae), Labcorp
Classification: Uncertain significance for DiGeorge syndrome. Last evaluated: 2022-10-17. Review status: criteria provided, single submitter. Criteria: Invitae Variant Classification Sherloc (09022015). Collection method: clinical testing. Allele origin: germline.
Comment: This variant, c.140_202del, results in the deletion of 21 amino acid(s) of the TBX1 protein (p.Pro47_Pro67del), but otherwise preserves the integrity of the reading frame. The frequency data for this variant in the population databases is considered unreliable, as metrics indicate insufficient coverage at this position in the gnomAD database. In summary, the available evidence is currently insufficient to determine the role of this variant in disease. Therefore, it has been classified as a Variant of Uncertain Significance. Algorithms developed to predict the effect of sequence changes on RNA splicing suggest that this variant may create or strengthen a splice site. Experimental studies and prediction algorithms are not available or were not evaluated, and the functional significance of this variant is currently unknown. ClinVar contains an entry for this variant (Variation ID: 1353015). This variant has not been reported in the literature in individuals affected with TBX1-related conditions.